The following is an entry in ClinVar:

ClinVar aggregate classification (germline): Likely pathogenic (0 of 4 stars; one submission).

Conditions:
Alport syndrome. Also called: Hemorrhagic familial nephritis; Hemorrhagic hereditary nephritis; Congenital hereditary hematuria. Identifiers: Orphanet 63, MedGen C1567741, MONDO:0018965.

Submission:

Department of Traditional Chinese Medicine, Fujian Provincial Hospital
Classification: Likely pathogenic for Alport syndrome. Review status: no assertion criteria provided. Collection method: research. Allele origin: maternal.
Comment: Based on the guidelines provided by The American College of Medical Genetics and Genomics (ACMG), this mutation aligns with the criteria of PVS1 (Null variant in a gene where loss of function (LOF) is a known mechanism of disease) + PM2_Supporting (Absent from controls in Exome Sequencing Project, 1000 Genomes or ExAC), indicating that it is likely to be harmful.

Literature cited by the submitters: DOI 10.2215/CJN.01030209.

NM_033380.3(COL4A5):c.1584_1587+6del

Gene: COL4A5 (collagen type IV alpha 5 chain; plus strand). Cytogenetic location: Xq22.3.
Variant type: Deletion.
Coding change: c.1584_1587+6del on transcript NM_033380.3 (MANE Select); coding-DNA position 1584 through 6 bases into the intron after coding-DNA position 1587, 10 bases deleted (ACCAGTAAGT; older notation c.1584_1587+6delACCAGTAAGT).
Molecular consequence: splice donor variant.
Genome position (GRCh38, 1-based): chrX:108,597,065-108,597,074, ACCAGTAAGT deleted; deleting any 10 consecutive bases within chrX:108,597,064-108,597,074 gives the same sequence; the c. name uses the placement nearest the transcript's 3' end. VCF-style (leftmost placement, unchanged base first): chrX-108597063-TTACCAGTAAG-T. GRCh37 (hg19) VCF-style: chrX-107840293-TTACCAGTAAG-T.
Other names: c.1584_1587+6del (NM_000495.5).
Identifiers: ClinVar variation 3027425 (VCV003027425.1), dbSNP rs2524305677, ClinGen allele CA2740092256.